The following is an entry in ClinVar:

NM_003737.4(DCHS1):c.3524G>C (p.Ser1175Thr)

Gene: DCHS1 (dachsous cadherin-related 1; minus strand). Cytogenetic location: 11p15.4.
Variant type: single nucleotide variant.
Coding change: c.3524G>C on transcript NM_003737.4 (MANE Select); coding-DNA position 3524, G replaced by C.
Protein change: p.Ser1175Thr; replaces serine 1175 with threonine.
Molecular consequence: missense variant.
Genome position (GRCh38, 1-based): chr11:6,631,767, C>G on the plus strand (G>C on the coding strand, the complement: DCHS1 is on the minus strand). VCF-style: chr11-6631767-C-G. GRCh37 (hg19) VCF-style: chr11-6652998-C-G.
Other names: short protein forms S1175T.
Identifiers: ClinVar variation 1417334 (VCV001417334.6), dbSNP rs1425266302, ClinGen allele CA379412491.

ClinVar aggregate classification (germline): Uncertain significance (1 of 4 stars; one submission).

Allele frequency attached by ClinVar (database versions not stated): gnomAD 0.00001; TOPMed 0.00001.
gnomAD v4.1: 1 of 1,584,882 alleles (0.000063%); highest among the groups gnomAD compares: Admixed American, 0.0018%; no homozygotes.

Submission:

Labcorp Genetics (formerly Invitae), Labcorp
Classification: Uncertain significance. Last evaluated: 2022-07-19. Review status: criteria provided, single submitter. Criteria: Invitae Variant Classification Sherloc (09022015). Collection method: clinical testing. Allele origin: germline.
Comment: In summary, the available evidence is currently insufficient to determine the role of this variant in disease. Therefore, it has been classified as a Variant of Uncertain Significance. Advanced modeling of protein sequence and biophysical properties (such as structural, functional, and spatial information, amino acid conservation, physicochemical variation, residue mobility, and thermodynamic stability) performed at Invitae indicates that this missense variant is not expected to disrupt DCHS1 protein function. ClinVar contains an entry for this variant (Variation ID: 1417334). This variant has not been reported in the literature in individuals affected with DCHS1-related conditions. This variant is not present in population databases (gnomAD no frequency). This sequence change replaces serine, which is neutral and polar, with threonine, which is neutral and polar, at codon 1175 of the DCHS1 protein (p.Ser1175Thr).